The following is an entry in ClinVar:

NM_013275.6(ANKRD11):c.5140A>C (p.Ser1714Arg)

Gene: ANKRD11 (ankyrin repeat domain 11; minus strand). Cytogenetic location: 16q24.3.
Variant type: single nucleotide variant.
Coding change: c.5140A>C on transcript NM_013275.6 (MANE Select); coding-DNA position 5140, A replaced by C.
Protein change: p.Ser1714Arg; replaces serine 1714 with arginine.
Molecular consequence: missense variant.
Genome position (GRCh38, 1-based): chr16:89,281,402, T>G on the plus strand (A>C on the coding strand, the complement: ANKRD11 is on the minus strand). VCF-style: chr16-89281402-T-G. GRCh37 (hg19) VCF-style: chr16-89347810-T-G.
Other names: c.5140A>C, p.Ser1714Arg (NM_001256182.2, NM_001256183.2); short protein forms S1714R.
Identifiers: ClinVar variation 1708590 (VCV001708590.3), dbSNP rs781661922, ClinGen allele CA8241933.
Genomic context (GRCh38, chr16:89,281,402, plus strand): 5'-CCGCGTAGTCATCGGCGCTGCAGGACGGGGTCCTGGGCGTGTGCATCACCTCCTCGTAGC[T>G]GGGGCAGGATAGCACCGACGTAGGGGTGGGCACGCCAGTGGGCCGGCTCTGGTCAGGCCT-3'
Protein context (NP_037407.4, residues 1704-1724): PTPTSVLSCP[Ser1714Arg]YEEVMHTPRT

ClinVar aggregate classification (germline): Uncertain significance. Review status: criteria provided, multiple submitters, no conflicts (2 of 4 stars). 2 submissions from 2 submitters: Uncertain significance (2). Last evaluated 2025-04-10.

Conditions:
KBG syndrome (KBGS). Also called: ANKRD11-Related KBG Syndrome. Identifiers: Orphanet 2332, MedGen C0220687, MONDO:0007846, OMIM 148050.

Allele frequency attached by ClinVar (database versions not stated): ExAC 0.00001; gnomAD 0.00001; gnomAD exomes 0.00002.
gnomAD v4.1: 35 of 1,608,800 alleles (0.0022%); highest among the groups gnomAD compares: Non-Finnish European, 0.0026%; no homozygotes.

Submissions (2):

Labcorp Genetics (formerly Invitae), Labcorp
Classification: Uncertain significance for KBG syndrome. Last evaluated: 2025-04-10. Review status: criteria provided, single submitter. Criteria: Invitae Variant Classification Sherloc (09022015). Collection method: clinical testing. Allele origin: germline.
Comment: This sequence change replaces serine, which is neutral and polar, with arginine, which is basic and polar, at codon 1714 of the ANKRD11 protein (p.Ser1714Arg). This variant is present in population databases (rs781661922, gnomAD 0.007%). This variant has not been reported in the literature in individuals affected with ANKRD11-related conditions. ClinVar contains an entry for this variant (Variation ID: 1708590). Invitae Evidence Modeling of protein sequence and biophysical properties (such as structural, functional, and spatial information, amino acid conservation, physicochemical variation, residue mobility, and thermodynamic stability) has been performed for this missense variant. However, the output from this modeling did not meet the statistical confidence thresholds required to predict the impact of this variant on ANKRD11 protein function. In summary, the available evidence is currently insufficient to determine the role of this variant in disease. Therefore, it has been classified as a Variant of Uncertain Significance.

GeneDx
Classification: Uncertain significance. Last evaluated: 2022-04-06. Review status: criteria provided, single submitter. Criteria: GeneDx Variant Classification Process June 2021. Collection method: clinical testing. Allele origin: germline. Affected: yes.
Comment: In silico analysis supports that this missense variant has a deleterious effect on protein structure/function; Has not been previously published as pathogenic or benign to our knowledge